The following is an entry in ClinVar:

NM_017780.4(CHD7):c.3319G>A (p.Ala1107Thr)

Gene: CHD7 (chromodomain helicase DNA binding protein 7; plus strand). Cytogenetic location: 8q12.2.
Variant type: single nucleotide variant.
Coding change: c.3319G>A on transcript NM_017780.4 (MANE Select); coding-DNA position 3319, G replaced by A.
Protein change: p.Ala1107Thr; replaces alanine 1107 with threonine.
Molecular consequence: missense variant. On other transcripts: intron variant (1).
Genome position (GRCh38, 1-based): chr8:60,823,957, G>A. VCF-style: chr8-60823957-G-A. GRCh37 (hg19) VCF-style: chr8-61736516-G-A.
Other names: c.1717-38272G>A (NM_001316690.1); short protein forms A1107T.
Identifiers: ClinVar variation 2444606 (VCV002444606.1), dbSNP rs2487819183, ClinGen allele CA371312333.

ClinVar aggregate classification (germline): Uncertain significance (1 of 4 stars; one submission).

Submission:

GeneDx
Classification: Uncertain significance. Last evaluated: 2023-03-16. Review status: criteria provided, single submitter. Criteria: GeneDx Variant Classification Process June 2021. Collection method: clinical testing. Allele origin: germline. Affected: yes.
Comment: Not observed in large population cohorts (gnomAD); In silico analysis supports that this missense variant has a deleterious effect on protein structure/function; Has not been previously published as pathogenic or benign to our knowledge